The following is an entry in ClinVar:

NM_000161.3(GCH1):c.355G>A (p.Asp119Asn)

Gene: GCH1 (GTP cyclohydrolase 1; minus strand). Cytogenetic location: 14q22.2.
Variant type: single nucleotide variant.
Coding change: c.355G>A on transcript NM_000161.3 (MANE Select); coding-DNA position 355, G replaced by A.
Protein change: p.Asp119Asn; replaces aspartic acid 119 with asparagine.
Molecular consequence: missense variant.
Genome position (GRCh38, 1-based): chr14:54,865,425, C>T on the plus strand (G>A on the coding strand, the complement: GCH1 is on the minus strand). VCF-style: chr14-54865425-C-T. GRCh37 (hg19) VCF-style: chr14-55332143-C-T.
Other names: c.355G>A, p.Asp119Asn (NM_001024024.2, NM_001024070.2, NM_001024071.2); short protein forms D119N.
Identifiers: ClinVar variation 2155250 (VCV002155250.2), dbSNP rs1221794990, ClinGen allele CA389790287.

ClinVar aggregate classification (germline): Uncertain significance (1 of 4 stars; one submission).

Conditions:
Dystonia 5 (DRD). Also called: DYT-GCH1; DYSTONIA, PROGRESSIVE, WITH DIURNAL VARIATION; DYSTONIA-PARKINSONISM WITH DIURNAL FLUCTUATION; GTP Cyclohydrolase 1-Deficient Dopa-Responsive Dystonia; Dystonia, DOPA-responsive, with or without hyperphenylalaninemia. Identifiers: Orphanet 98808, MedGen C1851920, MONDO:0007495, OMIM 128230.
GTP cyclohydrolase I deficiency. Identifiers: MedGen C0268467, MONDO:0100184.

gnomAD v4.1: 8 of 1,528,854 alleles (0.00052%); highest among the groups gnomAD compares: African/African-American, 0.0014%; no homozygotes.

Submission:

Labcorp Genetics (formerly Invitae), Labcorp
Classification: Uncertain significance for GTP cyclohydrolase I deficiency; Dystonia 5. Last evaluated: 2023-07-17. Review status: criteria provided, single submitter. Criteria: Invitae Variant Classification Sherloc (09022015). Collection method: clinical testing. Allele origin: germline.
Comment: This sequence change replaces aspartic acid, which is acidic and polar, with asparagine, which is neutral and polar, at codon 119 of the GCH1 protein (p.Asp119Asn). This variant is not present in population databases (gnomAD no frequency). This missense change has been observed in individual(s) with clinical features of GCH1-related conditions (PMID: 31130284). ClinVar contains an entry for this variant (Variation ID: 2155250). An algorithm developed to predict the effect of missense changes on protein structure and function (PolyPhen-2) suggests that this variant¬†is likely to be tolerated. In summary, the available evidence is currently insufficient to determine the role of this variant in disease. Therefore, it has been classified as a Variant of Uncertain Significance.

Literature cited by the submitters: PubMed 31130284.